The following is an entry in ClinVar:

NM_052947.4(ALPK2):c.2500G>A (p.Glu834Lys)

Gene: ALPK2 (alpha kinase 2; minus strand). Cytogenetic location: 18q21.31.
Variant type: single nucleotide variant.
Coding change: c.2500G>A on transcript NM_052947.4 (MANE Select); coding-DNA position 2500, G replaced by A.
Protein change: p.Glu834Lys; replaces glutamic acid 834 with lysine.
Molecular consequence: missense variant.
Genome position (GRCh38, 1-based): chr18:58,537,687, C>T on the plus strand (G>A on the coding strand, the complement: ALPK2 is on the minus strand). VCF-style: chr18-58537687-C-T. GRCh37 (hg19) VCF-style: chr18-56204919-C-T.
Other names: short protein forms E834K.
Identifiers: ClinVar variation 3531577 (VCV003531577.1).

ClinVar aggregate classification (germline): Uncertain significance (1 of 4 stars; one submission).

Submission:

Ambry Genetics
Classification: Uncertain significance. Last evaluated: 2024-09-25. Review status: criteria provided, single submitter. Criteria: Ambry Variant Classification Scheme 2023. Collection method: clinical testing. Allele origin: germline.
Comment: The p.E834K variant (also known as c.2500G>A), located in coding exon 4 of the ALPK2 gene, results from a G to A substitution at nucleotide position 2500. The glutamic acid at codon 834 is replaced by lysine, an amino acid with similar properties. This amino acid position is conserved. In addition, this alteration is predicted to be tolerated by in silico analysis. Based on the available evidence, the clinical significance of this variant remains unclear.